The following is an entry in ClinVar:

NM_001395002.1(MAP4K4):c.685G>C (p.Gly229Arg)

Gene: MAP4K4 (mitogen-activated protein kinase kinase kinase kinase 4; plus strand). Cytogenetic location: 2q11.2.
Variant type: single nucleotide variant.
Coding change: c.685G>C on transcript NM_001395002.1 (MANE Select); coding-DNA position 685, G replaced by C.
Protein change: p.Gly229Arg; replaces glycine 229 with arginine.
Molecular consequence: missense variant. On other transcripts: non-coding transcript variant (4).
Genome position (GRCh38, 1-based): chr2:101,834,454, G>C. VCF-style: chr2-101834454-G-C. GRCh37 (hg19) VCF-style: chr2-102450916-G-C.
Other names: c.685G>C, p.Gly229Arg (NM_001242559.2, NM_001242560.2, NM_001384476.1 and 28 more transcripts); c.658G>C, p.Gly220Arg (NM_001384549.1, NM_001384550.1, NM_001384551.1 and 16 more transcripts); short protein forms G220R, G229R.
Identifiers: ClinVar variation 4086316 (VCV004086316.2).

ClinVar aggregate classification (germline): Uncertain significance (1 of 4 stars; one submission).

Submission:

GeneDx
Classification: Uncertain significance. Last evaluated: 2026-09-06. Review status: criteria provided, single submitter. Criteria: GeneDx Variant Classification Process June 2021. Collection method: clinical testing. Allele origin: germline.
Comment: Not observed at significant frequency in large population cohorts (gnomAD); In silico analysis supports that this missense variant has a deleterious effect on protein structure/function; Has not been previously published as pathogenic or benign to our knowledge